The following is an entry in ClinVar:

ClinVar aggregate classification (germline): Uncertain significance. Review status: criteria provided, multiple submitters, no conflicts (2 of 4 stars). 3 submissions from 3 submitters: Uncertain significance (3). Last evaluated 2026-01-19.

Conditions:
Inborn genetic diseases. Identifiers: MedGen C0950123, MeSH D030342.
Nemaline myopathy 8 (NEM8). Also called: Nemaline myopathy 8, autosomal recessive. Identifiers: Orphanet 171430, MedGen C3809209, MONDO:0014138, OMIM 615348.

Allele frequency attached by ClinVar (database versions not stated): 1000 Genomes Project 0.00020; gnomAD exomes 0.00012; TOPMed 0.00014; 1000 Genomes Project 30x 0.00016; ExAC 0.00018.

Submissions (3):

Labcorp Genetics (formerly Invitae), Labcorp
Classification: Uncertain significance for Nemaline myopathy 8. Last evaluated: 2026-01-19. Review status: criteria provided, single submitter. Criteria: Invitae Variant Classification Sherloc (09022015). Collection method: clinical testing. Allele origin: germline.
Comment: This sequence change replaces arginine, which is basic and polar, with cysteine, which is neutral and slightly polar, at codon 547 of the KLHL40 protein (p.Arg547Cys). This variant is present in population databases (rs187688307, gnomAD 0.03%). This variant has not been reported in the literature in individuals affected with KLHL40-related conditions. ClinVar contains an entry for this variant (Variation ID: 955177). Invitae Evidence Modeling of protein sequence and biophysical properties (such as structural, functional, and spatial information, amino acid conservation, physicochemical variation, residue mobility, and thermodynamic stability) has been performed for this missense variant. However, the output from this modeling did not meet the statistical confidence thresholds required to predict the impact of this variant on KLHL40 protein function. In summary, the available evidence is currently insufficient to determine the role of this variant in disease. Therefore, it has been classified as a Variant of Uncertain Significance.

Ambry Genetics
Classification: Uncertain significance for Inborn genetic diseases. Last evaluated: 2025-05-25. Review status: criteria provided, single submitter. Criteria: Ambry Variant Classification Scheme 2023. Collection method: clinical testing. Allele origin: germline.

Department of Pathology and Laboratory Medicine, Sinai Health System
Classification: Uncertain significance for Nemaline myopathy 8. Last evaluated: 2020-05-31. Review status: criteria provided, single submitter. Criteria: ACMG Guidelines, 2015. Collection method: research. Allele origin: germline.

NM_152393.4(KLHL40):c.1639C>T (p.Arg547Cys)

Gene: KLHL40 (kelch like family member 40; plus strand). Cytogenetic location: 3p22.1.
Variant type: single nucleotide variant.
Coding change: c.1639C>T on transcript NM_152393.4 (MANE Select); coding-DNA position 1639, C replaced by T.
Protein change: p.Arg547Cys; replaces arginine 547 with cysteine.
Molecular consequence: missense variant.
Genome position (GRCh38, 1-based): chr3:42,690,890, C>T. VCF-style: chr3-42690890-C-T. GRCh37 (hg19) VCF-style: chr3-42732382-C-T.
Other names: c.1639C>T (NM_152393.2); short protein forms R547C.
Identifiers: ClinVar variation 955177 (VCV000955177.7), dbSNP rs187688307, ClinGen allele CA2337041.